The following is an entry in ClinVar:

NM_000702.4(ATP1A2):c.2069C>T (p.Thr690Met)

Gene: ATP1A2 (ATPase Na+/K+ transporting subunit alpha 2; plus strand). Cytogenetic location: 1q23.2.
Variant type: single nucleotide variant.
Coding change: c.2069C>T on transcript NM_000702.4 (MANE Select); coding-DNA position 2069, C replaced by T.
Protein change: p.Thr690Met; replaces threonine 690 with methionine.
Molecular consequence: missense variant.
Genome position (GRCh38, 1-based): chr1:160,135,249, C>T. VCF-style: chr1-160135249-C-T. GRCh37 (hg19) VCF-style: chr1-160105039-C-T.
Other names: short protein forms T690M.
Identifiers: ClinVar variation 4700447 (VCV004700447.2).

ClinVar aggregate classification (germline): Uncertain significance (1 of 4 stars; one submission).

Conditions:
Familial hemiplegic migraine. Identifiers: MedGen C0338484, MONDO:0000700.

gnomAD v4.1: 1 of 1,614,176 alleles (0.000062%); highest among the groups gnomAD compares: Non-Finnish European, 0.000085%; no homozygotes.

Submission:

Labcorp Genetics (formerly Invitae), Labcorp
Classification: Uncertain significance for Familial hemiplegic migraine. Last evaluated: 2025-02-10. Review status: criteria provided, single submitter. Criteria: Invitae Variant Classification Sherloc (09022015). Collection method: clinical testing. Allele origin: germline.
Comment: This sequence change replaces threonine, which is neutral and polar, with methionine, which is neutral and non-polar, at codon 690 of the ATP1A2 protein (p.Thr690Met). This variant is not present in population databases (gnomAD no frequency). This variant has not been reported in the literature in individuals affected with ATP1A2-related conditions. Invitae Evidence Modeling of protein sequence and biophysical properties (such as structural, functional, and spatial information, amino acid conservation, physicochemical variation, residue mobility, and thermodynamic stability) has been performed for this missense variant. However, the output from this modeling did not meet the statistical confidence thresholds required to predict the impact of this variant on ATP1A2 protein function. In summary, the available evidence is currently insufficient to determine the role of this variant in disease. Therefore, it has been classified as a Variant of Uncertain Significance.